The following is an entry in ClinVar:

NM_001378778.1(MPDZ):c.3631-1G>C

Gene: MPDZ (multiple PDZ domain crumbs cell polarity complex component; minus strand). Cytogenetic location: 9p23.
Variant type: single nucleotide variant.
Coding change: c.3631-1G>C on transcript NM_001378778.1 (MANE Select); the canonical splice acceptor site of the intron before coding-DNA position 3631, G replaced by C.
Molecular consequence: splice acceptor variant. On other transcripts: intron variant (8).
Genome position (GRCh38, 1-based): chr9:13,147,659, C>G on the plus strand (G>C on the coding strand, the complement: MPDZ is on the minus strand). VCF-style: chr9-13147659-C-G. GRCh37 (hg19) VCF-style: chr9-13147658-C-G.
Other names: c.3630+2852G>C (NM_001375425.1, NM_001375420.1, NM_001375423.1 and 4 more transcripts); c.3631-1G>C (NM_001375419.1, NM_001375416.1, NM_001330637.2 and 6 more transcripts); c.3432+2852G>C (NM_001375427.1).
Identifiers: ClinVar variation 3353154 (VCV003353154.2).
Genomic context (GRCh38, chr9:13,147,659, plus strand): 5'-TTTCCGAATGGCTTCCACAGCTTGTTCATGGCTTGCATCTCTGAGGTCCATTCCATCCAC[C>G]TGCAATGGAAGGCCTCAGCTTAACATTTCAAGAATCTATAGAACAACAAAAAAATGTGTG-3'

ClinVar aggregate classification (germline): Likely pathogenic. Review status: criteria provided, single submitter (1 of 4 stars). 2 submissions from 2 submitters: Likely pathogenic (1). 1 of the submissions does not count toward it. Last evaluated 2025-10-01.

Conditions:
MPDZ-related disorder. Also called: MPDZ-related condition.

gnomAD v4.1: 21 of 1,607,054 alleles (0.0013%); highest among the groups gnomAD compares: Non-Finnish European, 0.0018%; no homozygotes.

Submissions (2):

Labcorp Genetics (formerly Invitae), Labcorp
Classification: Likely pathogenic. Last evaluated: 2025-10-01. Review status: criteria provided, single submitter. Criteria: Invitae Variant Classification Sherloc (09022015). Collection method: clinical testing. Allele origin: germline.
Comment: This sequence change affects an acceptor splice site in intron 25 of the MPDZ gene. It is expected to disrupt RNA splicing. Variants that disrupt the donor or acceptor splice site typically lead to a loss of protein function (PMID: 16199547), and loss-of-function variants in MPDZ are known to be pathogenic (PMID: 23240096, 28556411). This variant is present in population databases (rs181332355, gnomAD 0.002%). This variant has not been reported in the literature in individuals affected with MPDZ-related conditions. ClinVar contains an entry for this variant (Variation ID: 3353154). Algorithms developed to predict the effect of sequence changes on RNA splicing suggest that this variant may disrupt the consensus splice site. In summary, the currently available evidence indicates that the variant is pathogenic, but additional data are needed to prove that conclusively. Therefore, this variant has been classified as Likely Pathogenic.

PreventionGenetics, part of Exact Sciences
Classification: Likely pathogenic for MPDZ-related condition. Last evaluated: 2024-06-20. Review status: no assertion criteria provided. Collection method: clinical testing. Allele origin: germline. Not counted in ClinVar's aggregate classification.
Comment: The MPDZ c.3631-1G>C variant is predicted to disrupt the AG splice acceptor site and interfere with normal splicing. To our knowledge, this variant has not been reported in the literature. This variant is reported in 0.0018% of alleles in individuals of European (non-Finnish) descent in gnomAD. Variants that disrupt the consensus splice acceptor site in MPDZ are expected to be pathogenic. This variant is interpreted as likely pathogenic.

Literature cited by the submitters: PubMed 16199547 (cited by Labcorp Genetics (formerly Invitae), Labcorp); PubMed 23240096 (cited by Labcorp Genetics (formerly Invitae), Labcorp); PubMed 28556411 (cited by Labcorp Genetics (formerly Invitae), Labcorp).